The following is an entry in ClinVar:

NM_000179.3(MSH6):c.1308C>G (p.Tyr436Ter)

Gene: MSH6 (mutS homolog 6; plus strand). Cytogenetic location: 2p16.3.
Variant type: single nucleotide variant.
Coding change: c.1308C>G on transcript NM_000179.3 (MANE Select); coding-DNA position 1308, C replaced by G.
Protein change: p.Tyr436Ter; replaces tyrosine 436 with a stop codon.
Molecular consequence: nonsense.
Genome position (GRCh38, 1-based): chr2:47,799,291, C>G. VCF-style: chr2-47799291-C-G. GRCh37 (hg19) VCF-style: chr2-48026430-C-G.
Other names: c.918C>G, p.Tyr306Ter (NM_001281492.2); c.402C>G, p.Tyr134Ter (NM_001281493.2, NM_001281494.2); short protein forms Y436*, Y306*, Y134*.
Identifiers: ClinVar variation 455130 (VCV000455130.10), dbSNP rs761037236, ClinGen allele CA346744337.

ClinVar aggregate classification (germline): Pathogenic. Review status: criteria provided, multiple submitters, no conflicts (2 of 4 stars). 2 submissions from 2 submitters: Pathogenic (2). Last evaluated 2025-09-11.

Conditions:
Hereditary nonpolyposis colorectal neoplasms. Identifiers: MedGen C0009405, MeSH D003123.
Hereditary cancer-predisposing syndrome. Also called: Hereditary Cancer Syndrome; Hereditary neoplastic syndrome; Neoplastic Syndromes, Hereditary; Tumor predisposition. Identifiers: Orphanet 140162, MedGen C0027672, MeSH D009386, MONDO:0015356.

Submissions (2):

Labcorp Genetics (formerly Invitae), Labcorp
Classification: Pathogenic for Hereditary nonpolyposis colorectal neoplasms. Last evaluated: 2025-09-11. Review status: criteria provided, single submitter. Criteria: Invitae Variant Classification Sherloc (09022015). Collection method: clinical testing. Allele origin: germline.
Comment: This sequence change creates a premature translational stop signal (p.Tyr436*) in the MSH6 gene. It is expected to result in an absent or disrupted protein product. Loss-of-function variants in MSH6 are known to be pathogenic (PMID: 18269114, 24362816). This variant is not present in population databases (gnomAD no frequency). This variant has not been reported in the literature in individuals affected with MSH6-related conditions. ClinVar contains an entry for this variant (Variation ID: 455130). For these reasons, this variant has been classified as Pathogenic.

Ambry Genetics
Classification: Pathogenic for Hereditary cancer-predisposing syndrome. Last evaluated: 2025-03-26. Review status: criteria provided, single submitter. Criteria: Ambry Variant Classification Scheme 2023. Collection method: clinical testing. Allele origin: germline.
Comment: The p.Y436* pathogenic mutation (also known as c.1308C>G), located in coding exon 4 of the MSH6 gene, results from a C to G substitution at nucleotide position 1308. This changes the amino acid from a tyrosine to a stop codon within coding exon 4. This variant is considered to be rare based on population cohorts in the Genome Aggregation Database (gnomAD). This alteration is expected to result in loss of function by premature protein truncation or nonsense-mediated mRNA decay. As such, this alteration is interpreted as a disease-causing mutation.

Literature cited by the submitters: PubMed 18269114 (cited by Labcorp Genetics (formerly Invitae), Labcorp); PubMed 24362816 (cited by Labcorp Genetics (formerly Invitae), Labcorp).